The following is an entry in ClinVar:

NM_001458.5(FLNC):c.3601G>A (p.Glu1201Lys)

Gene: FLNC (filamin C; plus strand). Cytogenetic location: 7q32.1.
Variant type: single nucleotide variant.
Coding change: c.3601G>A on transcript NM_001458.5 (MANE Select); coding-DNA position 3601, G replaced by A.
Protein change: p.Glu1201Lys; replaces glutamic acid 1201 with lysine.
Molecular consequence: missense variant.
Genome position (GRCh38, 1-based): chr7:128,845,066, G>A. VCF-style: chr7-128845066-G-A. GRCh37 (hg19) VCF-style: chr7-128485120-G-A.
Other names: c.3601G>A, p.Glu1201Lys (NM_001127487.2); short protein forms E1201K.
Identifiers: ClinVar variation 643083 (VCV000643083.12), dbSNP rs751963297, ClinGen allele CA4475080.

ClinVar aggregate classification (germline): Uncertain significance. Review status: criteria provided, multiple submitters, no conflicts (2 of 4 stars). 4 submissions from 4 submitters: Uncertain significance (4). Last evaluated 2026-08-24.

Conditions:
Hypertrophic cardiomyopathy 26. Also called: Cardiomyopathy, familial hypertrophic, 26. Identifiers: Orphanet 75249, MedGen C4310749, MONDO:0014883, OMIM 617047.
Dilated Cardiomyopathy, Dominant.
Distal myopathy with posterior leg and anterior hand involvement. Also called: WILLIAMS DISTAL MYOPATHY. Identifiers: Orphanet 63273, MedGen C3279722, MONDO:0013550, OMIM 614065.
Myofibrillar myopathy 5. Also called: FILAMINOPATHY, AUTOSOMAL DOMINANT; Filaminopathy (type). Identifiers: Orphanet 171445, MedGen C1836050, MONDO:0012289, OMIM 609524.
Cardiovascular phenotype. Identifiers: MedGen CN230736.

Allele frequency attached by ClinVar (database versions not stated): gnomAD below 0.00001 and 0.00001; gnomAD exomes below 0.00001 and 0.00001; ExAC 0.00001.
gnomAD v4.1: 6 of 1,613,760 alleles (0.00037%); highest among the groups gnomAD compares: South Asian, 0.0044%; no homozygotes.

Submissions (4):

Institute of Human Genetics, University of Leipzig Medical Center
Classification: Uncertain significance for Hypertrophic cardiomyopathy 26. Last evaluated: 2026-08-24. Review status: criteria provided, single submitter. Criteria: ACMG Guidelines, 2015. Collection method: clinical testing. Allele origin: unknown. Inheritance: Autosomal dominant inheritance. Affected: yes.
Comment: Criteria applied: PM2_SUP,PP2,PP3

Labcorp Genetics (formerly Invitae), Labcorp
Classification: Uncertain significance for Distal myopathy with posterior leg and anterior hand involvement; Myofibrillar myopathy 5; Hypertrophic cardiomyopathy 26. Last evaluated: 2024-06-03. Review status: criteria provided, single submitter. Criteria: Invitae Variant Classification Sherloc (09022015). Collection method: clinical testing. Allele origin: germline.
Comment: This sequence change replaces glutamic acid, which is acidic and polar, with lysine, which is basic and polar, at codon 1201 of the FLNC protein (p.Glu1201Lys). This variant is present in population databases (rs751963297, gnomAD 0.006%). This variant has not been reported in the literature in individuals affected with FLNC-related conditions. ClinVar contains an entry for this variant (Variation ID: 643083). Advanced modeling of protein sequence and biophysical properties (such as structural, functional, and spatial information, amino acid conservation, physicochemical variation, residue mobility, and thermodynamic stability) has been performed at Invitae for this missense variant, however the output from this modeling did not meet the statistical confidence thresholds required to predict the impact of this variant on FLNC protein function. In summary, the available evidence is currently insufficient to determine the role of this variant in disease. Therefore, it has been classified as a Variant of Uncertain Significance.

Ambry Genetics
Classification: Uncertain significance for Cardiovascular phenotype. Last evaluated: 2023-11-23. Review status: criteria provided, single submitter. Criteria: Ambry Variant Classification Scheme 2023. Collection method: clinical testing. Allele origin: germline.
Comment: The p.E1201K variant (also known as c.3601G>A), located in coding exon 21 of the FLNC gene, results from a G to A substitution at nucleotide position 3601. The glutamic acid at codon 1201 is replaced by lysine, an amino acid with similar properties. This amino acid position is conserved. In addition, this alteration is predicted to be deleterious by in silico analysis. Since supporting evidence is limited at this time, the clinical significance of this alteration remains unclear.

Revvity Omics, Revvity
Classification: Uncertain significance. Last evaluated: 2021-08-28. Review status: criteria provided, single submitter. Criteria: ACMG Guidelines, 2015. Collection method: clinical testing. Allele origin: germline.